The following is an entry in ClinVar:

NM_004655.4(AXIN2):c.562C>G (p.Gln188Glu)

Gene: AXIN2 (axin 2; minus strand). Cytogenetic location: 17q24.1.
Variant type: single nucleotide variant.
Coding change: c.562C>G on transcript NM_004655.4 (MANE Select); coding-DNA position 562, C replaced by G.
Protein change: p.Gln188Glu; replaces glutamine 188 with glutamic acid.
Molecular consequence: missense variant.
Genome position (GRCh38, 1-based): chr17:65,558,059, G>C on the plus strand (C>G on the coding strand, the complement: AXIN2 is on the minus strand). VCF-style: chr17-65558059-G-C. GRCh37 (hg19) VCF-style: chr17-63554177-G-C.
Other names: c.562C>G, p.Gln188Glu (NM_001363813.1); short protein forms Q188E.
Identifiers: ClinVar variation 1405399 (VCV001405399.8), dbSNP rs753803824, ClinGen allele CA8719035.

ClinVar aggregate classification (germline): Uncertain significance. Review status: criteria provided, multiple submitters, no conflicts (2 of 4 stars). 2 submissions from 2 submitters: Uncertain significance (2). Last evaluated 2024-03-09.

Conditions:
Oligodontia-cancer predisposition syndrome. Also called: TOOTH AGENESIS-COLORECTAL CANCER SYNDROME. Identifiers: Orphanet 300576, MedGen C1837750, MONDO:0012075, OMIM 608615. Disease mechanism: loss of function.
Hereditary cancer-predisposing syndrome. Also called: Hereditary neoplastic syndrome; Hereditary Cancer Syndrome; Neoplastic Syndromes, Hereditary; Tumor predisposition. Identifiers: Orphanet 140162, MedGen C0027672, MeSH D009386, MONDO:0015356.

Allele frequency attached by ClinVar (database versions not stated): gnomAD exomes below 0.00001; ExAC 0.00001.
gnomAD v4.1: 2 of 1,613,968 alleles (0.00012%); highest among the groups gnomAD compares: Non-Finnish European, 0.00017%; no homozygotes.

Submissions (2):

Ambry Genetics
Classification: Uncertain significance for Hereditary cancer-predisposing syndrome. Last evaluated: 2024-03-09. Review status: criteria provided, single submitter. Criteria: Ambry Variant Classification Scheme 2023. Collection method: clinical testing. Allele origin: germline.
Comment: The p.Q188E variant (also known as c.562C>G), located in coding exon 1 of the AXIN2 gene, results from a C to G substitution at nucleotide position 562. The glutamine at codon 188 is replaced by glutamic acid, an amino acid with highly similar properties. This amino acid position is conserved. In addition, this alteration is predicted to be tolerated by in silico analysis. Since supporting evidence is limited at this time, the clinical significance of this alteration remains unclear.

Labcorp Genetics (formerly Invitae), Labcorp
Classification: Uncertain significance for Oligodontia-cancer predisposition syndrome. Last evaluated: 2021-10-13. Review status: criteria provided, single submitter. Criteria: Invitae Variant Classification Sherloc (09022015). Collection method: clinical testing. Allele origin: germline.
Comment: In summary, the available evidence is currently insufficient to determine the role of this variant in disease. Therefore, it has been classified as a Variant of Uncertain Significance. This variant has not been reported in the literature in individuals affected with AXIN2-related conditions. Algorithms developed to predict the effect of missense changes on protein structure and function are either unavailable or do not agree on the potential impact of this missense change (SIFT: "Tolerated"; PolyPhen-2: "Possibly Damaging"; Align-GVGD: "Class C0"). This variant is present in population databases (rs753803824, ExAC 0.001%). This sequence change replaces glutamine with glutamic acid at codon 188 of the AXIN2 protein (p.Gln188Glu). The glutamine residue is highly conserved and there is a small physicochemical difference between glutamine and glutamic acid.